The following is an entry in ClinVar:

NM_025114.4(CEP290):c.4882C>A (p.Gln1628Lys)

Gene: CEP290 (centrosomal protein 290; minus strand). Cytogenetic location: 12q21.32.
Variant type: single nucleotide variant.
Coding change: c.4882C>A on transcript NM_025114.4 (MANE Select); coding-DNA position 4882, C replaced by A.
Protein change: p.Gln1628Lys; replaces glutamine 1628 with lysine.
Molecular consequence: missense variant.
Genome position (GRCh38, 1-based): chr12:88,083,161, G>T on the plus strand (C>A on the coding strand, the complement: CEP290 is on the minus strand). VCF-style: chr12-88083161-G-T. GRCh37 (hg19) VCF-style: chr12-88476938-G-T.
Other names: c.4882C>A (NM_025114.3); short protein forms Q1628K.
Identifiers: ClinVar variation 2068443 (VCV002068443.2), dbSNP rs376493409, ClinGen allele CA385992936.

ClinVar aggregate classification (germline): Uncertain significance. Review status: criteria provided, multiple submitters, no conflicts (2 of 4 stars). 2 submissions from 2 submitters: Uncertain significance (2). Last evaluated 2026-06-24.

Conditions:
CEP290-related disorder. Also called: CEP290-related condition; CEP290-related disorders. Identifiers: MedGen CN239314.
Nephronophthisis. Also called: Juvenile Nephronophthisis. Identifiers: Orphanet 655, MedGen C0687120, MONDO:0019005, HP:0000090.
Joubert syndrome. Also called: Familial aplasia of the vermis; JOUBERT-BOLTSHAUSER SYNDROME. Identifiers: Orphanet 475, MedGen C5979921, MONDO:0018772.
Meckel-Gruber syndrome. Also called: Dysencephalia splachnocystica; DYSENCEPHALIA SPLANCHNOCYSTICA; GRUBER SYNDROME. Identifiers: Orphanet 564, MedGen C0265215, MONDO:0018921.

gnomAD v4.1: 13 of 1,552,940 alleles (0.00084%); highest among the groups gnomAD compares: Non-Finnish European, 0.001%; no homozygotes.

Submissions (2):

PreventionGenetics, part of Exact Sciences
Classification: Uncertain significance for CEP290-related condition. Last evaluated: 2026-06-24. Review status: criteria provided, single submitter. Criteria: ACMG Guidelines, 2015. Collection method: clinical testing. Allele origin: germline.
Comment: The CEP290 c.4882C>A variant is predicted to result in the amino acid substitution p.Gln1628Lys. To our knowledge, this variant has not been reported in the literature or in a large population database (gnomAD), indicating this variant is rare. At this time, the clinical significance of this variant is uncertain due to the absence of conclusive functional and genetic evidence.

Labcorp Genetics (formerly Invitae), Labcorp
Classification: Uncertain significance for Joubert syndrome; Meckel-Gruber syndrome; Nephronophthisis. Last evaluated: 2022-06-28. Review status: criteria provided, single submitter. Criteria: Invitae Variant Classification Sherloc (09022015). Collection method: clinical testing. Allele origin: germline.
Comment: This sequence change replaces glutamine, which is neutral and polar, with lysine, which is basic and polar, at codon 1628 of the CEP290 protein (p.Gln1628Lys). This variant is not present in population databases (gnomAD no frequency). This variant has not been reported in the literature in individuals affected with CEP290-related conditions. Algorithms developed to predict the effect of missense changes on protein structure and function are either unavailable or do not agree on the potential impact of this missense change (SIFT: "Tolerated"; PolyPhen-2: "Probably Damaging"; Align-GVGD: "Class C0"). In summary, the available evidence is currently insufficient to determine the role of this variant in disease. Therefore, it has been classified as a Variant of Uncertain Significance.